The following is an entry in ClinVar:

ClinVar aggregate classification (germline): Uncertain significance (1 of 4 stars; one submission).

Allele frequency attached by ClinVar (database versions not stated): gnomAD exomes below 0.00001 and 0.00001; ExAC 0.00001.
gnomAD v4.1: 2 of 1,613,958 alleles (0.00012%); highest among the groups gnomAD compares: Admixed American, 0.0033%; no homozygotes.

Submission:

Labcorp Genetics (formerly Invitae), Labcorp
Classification: Uncertain significance. Last evaluated: 2021-02-15. Review status: criteria provided, single submitter. Criteria: Invitae Variant Classification Sherloc (09022015). Collection method: clinical testing. Allele origin: germline.
Comment: In summary, the available evidence is currently insufficient to determine the role of this variant in disease. Therefore, it has been classified as a Variant of Uncertain Significance. Algorithms developed to predict the effect of missense changes on protein structure and function are either unavailable or do not agree on the potential impact of this missense change (SIFT: "Deleterious"; PolyPhen-2: "Not Available"; Align-GVGD: "Class C35"). This variant has not been reported in the literature in individuals with CDH23-related conditions. This variant is present in population databases (rs751765140, ExAC 0.009%). This sequence change replaces glutamine with arginine at codon 2179 of the CDH23 protein (p.Gln2179Arg). The glutamine residue is highly conserved and there is a small physicochemical difference between glutamine and arginine.

NM_022124.6(CDH23):c.6536A>G (p.Gln2179Arg)

Gene: CDH23 (cadherin related 23; plus strand). Cytogenetic location: 10q22.1.
Variant type: single nucleotide variant.
Coding change: c.6536A>G on transcript NM_022124.6 (MANE Select); coding-DNA position 6536, A replaced by G.
Protein change: p.Gln2179Arg; replaces glutamine 2179 with arginine.
Molecular consequence: missense variant.
Genome position (GRCh38, 1-based): chr10:71,793,464, A>G. VCF-style: chr10-71793464-A-G. GRCh37 (hg19) VCF-style: chr10-73553221-A-G.
Other names: short protein forms Q2179R.
Identifiers: ClinVar variation 1409829 (VCV001409829.8), dbSNP rs751765140, ClinGen allele CA5546111.
Genomic context (GRCh38, chr10:71,793,464, plus strand): 5'-TTGTCACCATTCTGATCGATGACATCAATGACTCCCGCCCCGAGTTCCTCAACCCCATCC[A>G]GACAGTGAGCGTGCTGGAGTCGGCTGAGCCAGGCACTGTCATTGCCAATATCACGGCCAT-3'
Protein context (NP_071407.4, residues 2169-2189): DSRPEFLNPI[Gln2179Arg]TVSVLESAEP